The following is an entry in ClinVar:

NM_001868.4(CPA1):c.674G>C (p.Gly225Ala)

Gene: CPA1 (carboxypeptidase A1; plus strand). Cytogenetic location: 7q32.2.
Variant type: single nucleotide variant.
Coding change: c.674G>C on transcript NM_001868.4 (MANE Select); coding-DNA position 674, G replaced by C.
Protein change: p.Gly225Ala; replaces glycine 225 with alanine.
Molecular consequence: missense variant.
Genome position (GRCh38, 1-based): chr7:130,383,772, G>C. VCF-style: chr7-130383772-G-C. GRCh37 (hg19) VCF-style: chr7-130023613-G-C.
Other names: short protein forms G225A.
Identifiers: ClinVar variation 1755237 (VCV001755237.3), dbSNP rs2536008908, ClinGen allele CA369282819.

ClinVar aggregate classification (germline): Uncertain significance (1 of 4 stars; one submission).

Conditions:
Hereditary pancreatitis (PCTT). Also called: Hereditary chronic pancreatitis; PRSS1-Related Hereditary Pancreatitis. Identifiers: Orphanet 676, MedGen C0238339, MONDO:0008185, OMIM 167800.

Submission:

Ambry Genetics
Classification: Uncertain significance for Hereditary pancreatitis. Last evaluated: 2025-09-10. Review status: criteria provided, single submitter. Criteria: Ambry Variant Classification Scheme 2023. Collection method: clinical testing. Allele origin: germline.
Comment: The p.G225A variant (also known as c.674G>C), located in coding exon 6 of the CPA1 gene, results from a G to C substitution at nucleotide position 674. The glycine at codon 225 is replaced by alanine, an amino acid with similar properties. This amino acid position is conserved. In addition, this alteration is predicted to be deleterious by in silico analysis. Since supporting evidence is limited at this time, the clinical significance of this alteration remains unclear.